The following is an entry in ClinVar:

NM_000081.4(LYST):c.8272G>A (p.Ala2758Thr)

Gene: LYST (lysosomal trafficking regulator; minus strand). Cytogenetic location: 1q42.3.
Variant type: single nucleotide variant.
Coding change: c.8272G>A on transcript NM_000081.4 (MANE Select); coding-DNA position 8272, G replaced by A.
Protein change: p.Ala2758Thr; replaces alanine 2758 with threonine.
Molecular consequence: missense variant.
Genome position (GRCh38, 1-based): chr1:235,741,508, C>T on the plus strand (G>A on the coding strand, the complement: LYST is on the minus strand). VCF-style: chr1-235741508-C-T. GRCh37 (hg19) VCF-style: chr1-235904808-C-T.
Other names: c.8272G>A, p.Ala2758Thr (NM_001301365.1); c.8272G>A (NM_000081.2); short protein forms A2758T.
Identifiers: ClinVar variation 953917 (VCV000953917.9), dbSNP rs868852761, ClinGen allele CA39604486.

ClinVar aggregate classification (germline): Uncertain significance. Review status: criteria provided, multiple submitters, no conflicts (2 of 4 stars). 3 submissions from 3 submitters: Uncertain significance (3). Last evaluated 2026-06-15.

Conditions:
Inborn genetic diseases. Identifiers: MedGen C0950123, MeSH D030342.
Chédiak-Higashi syndrome (CHS). Also called: Chediak-Higashi Syndrome. Identifiers: Orphanet 167, MedGen C0007965, MONDO:0008963, OMIM 214500.

Allele frequency attached by ClinVar (database versions not stated): gnomAD exomes below 0.00001; gnomAD 0.00001; TOPMed 0.00002.
gnomAD v4.1: 8 of 1,613,916 alleles (0.0005%); highest among the groups gnomAD compares: African/African-American, 0.0067%; no homozygotes.

Submissions (3):

Women's Health and Genetics/Laboratory Corporation of America, LabCorp
Classification: Uncertain significance. Last evaluated: 2026-06-15. Review status: criteria provided, single submitter. Criteria: LabCorp Variant Classification Summary - May 2015. Collection method: clinical testing. Allele origin: germline.
Comment: Variant summary: LYST c.8272G>A (p.Ala2758Thr) results in a non-conservative amino acid change in the encoded protein sequence. Algorithms developed to predict the effect of missense changes on protein structure and function are either unavailable or do not agree on the potential impact of this missense change. The variant allele was found at a frequency of 4e-06 in 251326 control chromosomes. The available data on variant occurrences in the general population are insufficient to allow any conclusion about variant significance. To our knowledge, no occurrence of c.8272G>A in individuals affected with LYST-related conditions and no experimental evidence demonstrating its impact on protein function have been reported. ClinVar contains an entry for this variant (Variation ID: 953917). Based on the evidence outlined above, the variant was classified as uncertain significance.

Ambry Genetics
Classification: Uncertain significance for Inborn genetic diseases. Last evaluated: 2024-06-04. Review status: criteria provided, single submitter. Criteria: Ambry Variant Classification Scheme 2023. Collection method: clinical testing. Allele origin: germline.

Labcorp Genetics (formerly Invitae), Labcorp
Classification: Uncertain significance for Chédiak-Higashi syndrome. Last evaluated: 2022-09-01. Review status: criteria provided, single submitter. Criteria: Invitae Variant Classification Sherloc (09022015). Collection method: clinical testing. Allele origin: germline.
Comment: In summary, the available evidence is currently insufficient to determine the role of this variant in disease. Therefore, it has been classified as a Variant of Uncertain Significance. Algorithms developed to predict the effect of missense changes on protein structure and function output the following: SIFT: "Tolerated"; PolyPhen-2: "Benign"; Align-GVGD: "Class C0". The threonine amino acid residue is found in multiple mammalian species, which suggests that this missense change does not adversely affect protein function. ClinVar contains an entry for this variant (Variation ID: 953917). This variant has not been reported in the literature in individuals affected with LYST-related conditions. This variant is present in population databases (no rsID available, gnomAD 0.007%). This sequence change replaces alanine, which is neutral and non-polar, with threonine, which is neutral and polar, at codon 2758 of the LYST protein (p.Ala2758Thr).